The following is an entry in ClinVar:

ClinVar aggregate classification (germline): Uncertain significance (1 of 4 stars; one submission).

gnomAD v4.1: 2 of 1,614,136 alleles (0.00012%); highest among the groups gnomAD compares: Non-Finnish European, 0.00017%; no homozygotes.

Submission:

Labcorp Genetics (formerly Invitae), Labcorp
Classification: Uncertain significance. Last evaluated: 2025-08-05. Review status: criteria provided, single submitter. Criteria: Invitae Variant Classification Sherloc (09022015). Collection method: clinical testing. Allele origin: germline.
Comment: This sequence change replaces serine, which is neutral and polar, with phenylalanine, which is neutral and non-polar, at codon 497 of the IRF2BP2 protein (p.Ser497Phe). This variant is not present in population databases (gnomAD no frequency). This variant has not been reported in the literature in individuals affected with IRF2BP2-related conditions. An algorithm developed to predict the effect of missense changes on protein structure and function (PolyPhen-2) suggests that this variant is likely to be disruptive. In summary, the available evidence is currently insufficient to determine the role of this variant in disease. Therefore, it has been classified as a Variant of Uncertain Significance.

NM_182972.3(IRF2BP2):c.1490C>T (p.Ser497Phe)

Gene: IRF2BP2 (interferon regulatory factor 2 binding protein 2; minus strand). Cytogenetic location: 1q42.3.
Variant type: single nucleotide variant.
Coding change: c.1490C>T on transcript NM_182972.3 (MANE Select); coding-DNA position 1490, C replaced by T.
Protein change: p.Ser497Phe; replaces serine 497 with phenylalanine.
Molecular consequence: missense variant.
Genome position (GRCh38, 1-based): chr1:234,607,411, G>A on the plus strand (C>T on the coding strand, the complement: IRF2BP2 is on the minus strand). VCF-style: chr1-234607411-G-A. GRCh37 (hg19) VCF-style: chr1-234743157-G-A.
Other names: c.1442C>T, p.Ser481Phe (NM_001077397.1); short protein forms S497F, S481F.
Identifiers: ClinVar variation 4721501 (VCV004721501.1).
Genomic context (GRCh38, chr1:234,607,411, plus strand): 5'-TGGGTGTCCTCCAGCCGCTCGTGGCAGAGGGTGCAGCACAGCGGGGCACTGGTTGCCAGA[G>A]AGGAGTCCGGGAGGCTGGCAGGGTGCACTGGCTCCAGTCCTCCTGTGTTGCCTGCTCCCT-3'
Protein context (NP_892017.2, residues 487-507): PVHPASLPDS[Ser497Phe]LATSAPLCCT